The following is an entry in ClinVar:

NM_001329943.3(KIAA0586):c.3794T>C (p.Ile1265Thr)

Gene: KIAA0586 (KIAA0586; plus strand). Cytogenetic location: 14q23.1.
Variant type: single nucleotide variant.
Coding change: c.3794T>C on transcript NM_001329943.3 (MANE Select); coding-DNA position 3794, T replaced by C.
Protein change: p.Ile1265Thr; replaces isoleucine 1265 with threonine.
Molecular consequence: missense variant.
Genome position (GRCh38, 1-based): chr14:58,490,176, T>C. VCF-style: chr14-58490176-T-C. GRCh37 (hg19) VCF-style: chr14-58956894-T-C.
Other names: c.3953T>C, p.Ile1318Thr (NM_001244189.2); c.3749T>C, p.Ile1250Thr (NM_001244190.2); c.3539T>C, p.Ile1180Thr (NM_001244191.2, NM_001329945.2, NM_001364700.1 and 1 more transcripts); c.3662T>C, p.Ile1221Thr (NM_001244192.2); c.3374T>C, p.Ile1125Thr (NM_001244193.2); c.3794T>C, p.Ile1265Thr (NM_001329944.2, NM_001329946.2, NM_001329947.2); c.3566T>C, p.Ile1189Thr (NM_014749.5); c.3566T>C (NM_014749.3); short protein forms I1250T, I1265T, I1318T, I1125T, I1180T, I1189T, I1221T.
Identifiers: ClinVar variation 1473225 (VCV001473225.6), dbSNP rs756960694, ClinGen allele CA7206264.

ClinVar aggregate classification (germline): Uncertain significance. Review status: criteria provided, multiple submitters, no conflicts (2 of 4 stars). 2 submissions from 2 submitters: Uncertain significance (2). Last evaluated 2024-04-26.

Conditions:
Inborn genetic diseases. Identifiers: MedGen C0950123, MeSH D030342.
Joubert syndrome 23 (JBTS23). Identifiers: Orphanet 475, MedGen C4084822, MONDO:0014664, OMIM 616490.
Short-rib thoracic dysplasia 14 with polydactyly (SRTD14). Identifiers: Orphanet 397715, MedGen C4225286, MONDO:0014688, OMIM 616546.

Allele frequency attached by ClinVar (database versions not stated): gnomAD exomes 0.00002.
gnomAD v4.1: 31 of 1,457,626 alleles (0.0021%); highest among the groups gnomAD compares: Middle Eastern, 0.16%; no homozygotes.

Submissions (2):

Ambry Genetics
Classification: Uncertain significance for Inborn genetic diseases. Last evaluated: 2024-04-26. Review status: criteria provided, single submitter. Criteria: Ambry Variant Classification Scheme 2023. Collection method: clinical testing. Allele origin: germline.

Labcorp Genetics (formerly Invitae), Labcorp
Classification: Uncertain significance for Joubert syndrome 23; Short-rib thoracic dysplasia 14 with polydactyly. Last evaluated: 2022-02-12. Review status: criteria provided, single submitter. Criteria: Invitae Variant Classification Sherloc (09022015). Collection method: clinical testing. Allele origin: germline.
Comment: This sequence change replaces isoleucine, which is neutral and non-polar, with threonine, which is neutral and polar, at codon 1318 of the KIAA0586 protein (p.Ile1318Thr). This variant is present in population databases (rs756960694, gnomAD 0.01%). This variant has not been reported in the literature in individuals affected with KIAA0586-related conditions. Algorithms developed to predict the effect of missense changes on protein structure and function (SIFT, PolyPhen-2, Align-GVGD) all suggest that this variant is likely to be tolerated. In summary, the available evidence is currently insufficient to determine the role of this variant in disease. Therefore, it has been classified as a Variant of Uncertain Significance.